The following is an entry in ClinVar:

ClinVar aggregate classification (germline): Uncertain significance (1 of 4 stars; one submission).

Conditions:
Autosomal recessive limb-girdle muscular dystrophy type 2O. Also called: Limb-Girdle Muscular Dystrophy Type 3C; MUSCULAR DYSTROPHY-DYSTROGLYCANOPATHY (LIMB-GIRDLE), TYPE C, 3; MUSCULAR DYSTROPHY-DYSTROGLYCANOPATHY, LIMB-GIRDLE, POMGNT1-RELATED. Identifiers: Orphanet 206564, MedGen C3150417, MONDO:0013161, OMIM 613157.
Muscular dystrophy-dystroglycanopathy (congenital with impaired intellectual development), type B, 3. Also called: Muscular dystrophy-dystroglycanopathy (congenital with intellectual disability), type B3; MUSCULAR DYSTROPHY, CONGENITAL, POMGNT1-RELATED. Identifiers: MedGen C3150412, MONDO:0013155, OMIM 613151.

Allele frequency attached by ClinVar (database versions not stated): gnomAD exomes below 0.00001.
gnomAD v4.1: 6 of 1,614,184 alleles (0.00037%); highest among the groups gnomAD compares: Non-Finnish European, 0.00051%; no homozygotes.

Submission:

Labcorp Genetics (formerly Invitae), Labcorp
Classification: Uncertain significance for Autosomal recessive limb-girdle muscular dystrophy type 2O; Muscular dystrophy-dystroglycanopathy (congenital with impaired intellectual development), type B, 3. Last evaluated: 2022-06-13. Review status: criteria provided, single submitter. Criteria: Invitae Variant Classification Sherloc (09022015). Collection method: clinical testing. Allele origin: germline.
Comment: This missense change has been observed in individual(s) with congenital muscular dystrophy (Invitae). This variant is not present in population databases (gnomAD no frequency). This sequence change replaces glutamic acid, which is acidic and polar, with lysine, which is basic and polar, at codon 489 of the POMGNT1 protein (p.Glu489Lys). In summary, the available evidence is currently insufficient to determine the role of this variant in disease. Therefore, it has been classified as a Variant of Uncertain Significance. Advanced modeling of protein sequence and biophysical properties (such as structural, functional, and spatial information, amino acid conservation, physicochemical variation, residue mobility, and thermodynamic stability) performed at Invitae indicates that this missense variant is not expected to disrupt POMGNT1 protein function.

NM_017739.4(POMGNT1):c.1465G>A (p.Glu489Lys)

Genes: TSPAN1 (tetraspanin 1; plus strand), POMGNT1 (protein O-linked mannose N-acetylglucosaminyltransferase 1 (beta 1,2-); minus strand). Cytogenetic location: 1p34.1.
Variant type: single nucleotide variant.
Coding change: c.1465G>A on transcript NM_017739.4 (MANE Select); coding-DNA position 1465, G replaced by A.
Protein change: p.Glu489Lys; replaces glutamic acid 489 with lysine.
Molecular consequence: missense variant.
Genome position (GRCh38, 1-based): chr1:46,192,172, C>T on the plus strand (G>A on the coding strand, the complement: POMGNT1 is on the minus strand). VCF-style: chr1-46192172-C-T. GRCh37 (hg19) VCF-style: chr1-46657844-C-T.
Other names: c.1465G>A, p.Glu489Lys (NM_001243766.2, NM_001410783.1); c.1399G>A, p.Glu467Lys (NM_001290129.3); c.1036G>A, p.Glu346Lys (NM_001290130.2); short protein forms E489K, E346K, E467K.
Identifiers: ClinVar variation 2201140 (VCV002201140.4), dbSNP rs2148184028, ClinGen allele CA340173760.